The following is an entry in ClinVar:

ClinVar aggregate classification (germline): other (0 of 4 stars; one submission).

Conditions:
Familial colorectal cancer. Identifiers: MedGen CN280943, MONDO:0023113. Disease mechanism: loss of function.

Submission:

Systems Biology Platform Zhejiang California International NanoSystems Institute
Classification: other for Familial colorectal cancer. Review status: no assertion criteria provided. Collection method: not provided. Allele origin: unknown.
ClinVar note: Converted during submission from cancer to other.

NM_000038.6(APC):c.136-2078A>C

Gene: APC (APC regulator of WNT signaling pathway; plus strand). Cytogenetic location: 5q22.2.
Variant type: single nucleotide variant.
Coding change: c.136-2078A>C on transcript NM_000038.6 (MANE Select); 2078 bases into the intron before coding-DNA position 136, A replaced by C.
Molecular consequence: intron variant.
Genome position (GRCh38, 1-based): chr5:112,764,248, A>C. VCF-style: chr5-112764248-A-C. GRCh37 (hg19) VCF-style: chr5-112099945-A-C.
Other names: c.136-2078A>C (NM_001354895.2, NM_001127510.3, NM_001354896.2 and 2 more transcripts); c.166-2078A>C (NM_001354897.2, NM_001354902.2, NM_001127511.3); c.61-2078A>C (NM_001354898.2, NM_001354904.2); c.-900-2078A>C (NM_001354906.2); c.-42-2078A>C (NM_001354900.2, NM_001354901.2, NM_001354905.2).
Identifiers: ClinVar variation 82388 (VCV000082388.2), dbSNP rs76315937, ClinGen allele CA004531.